The following is an entry in ClinVar:

NM_024105.4(ALG12):c.983G>A (p.Cys328Tyr)

Gene: ALG12 (ALG12 alpha-1,6-mannosyltransferase; minus strand). Cytogenetic location: 22q13.33.
Variant type: single nucleotide variant.
Coding change: c.983G>A on transcript NM_024105.4 (MANE Select); coding-DNA position 983, G replaced by A.
Protein change: p.Cys328Tyr; replaces cysteine 328 with tyrosine.
Molecular consequence: missense variant.
Genome position (GRCh38, 1-based): chr22:49,907,730, C>T on the plus strand (G>A on the coding strand, the complement: ALG12 is on the minus strand). VCF-style: chr22-49907730-C-T. GRCh37 (hg19) VCF-style: chr22-50301378-C-T.
Other names: short protein forms C328Y.
Identifiers: ClinVar variation 1392327 (VCV001392327.6), dbSNP rs1371150654, ClinGen allele CA412073493.

ClinVar aggregate classification (germline): Uncertain significance (1 of 4 stars; one submission).

Conditions:
ALG12-congenital disorder of glycosylation (CDG1G). Also called: ALG12-CDG; CDG Ig; Congenital disorder of glycosylation, type Ig. Identifiers: Orphanet 79324, MedGen C2931001, MONDO:0011783, OMIM 607143.

Allele frequency attached by ClinVar (database versions not stated): gnomAD 0.00001; TOPMed 0.00002.
gnomAD v4.1: 1 of 1,613,862 alleles (0.000062%); highest among the groups gnomAD compares: African/African-American, 0.0013%; no homozygotes.

Submission:

Labcorp Genetics (formerly Invitae), Labcorp
Classification: Uncertain significance for ALG12-congenital disorder of glycosylation. Last evaluated: 2022-01-16. Review status: criteria provided, single submitter. Criteria: Invitae Variant Classification Sherloc (09022015). Collection method: clinical testing. Allele origin: germline.
Comment: In summary, the available evidence is currently insufficient to determine the role of this variant in disease. Therefore, it has been classified as a Variant of Uncertain Significance. Algorithms developed to predict the effect of missense changes on protein structure and function are either unavailable or do not agree on the potential impact of this missense change (SIFT: "Deleterious"; PolyPhen-2: "Probably Damaging"; Align-GVGD: "Class C0"). This variant has not been reported in the literature in individuals affected with ALG12-related conditions. This variant is not present in population databases (gnomAD no frequency). This sequence change replaces cysteine, which is neutral and slightly polar, with tyrosine, which is neutral and polar, at codon 328 of the ALG12 protein (p.Cys328Tyr).